The following is an entry in ClinVar:

ClinVar aggregate classification (germline): Benign (0 of 4 stars; one submission).

Conditions:
CLPTM1L-related disorder. Also called: CLPTM1L-related condition.

Allele frequency attached by ClinVar (database versions not stated): 1000 Genomes Project 0.00100; 1000 Genomes Project 30x 0.00109; ExAC 0.00199; gnomAD 0.00207; TOPMed 0.00226; ESP Exome Variant Server 0.00261.

Submission:

PreventionGenetics, part of Exact Sciences
Classification: Benign for CLPTM1L-related condition. Last evaluated: 2019-06-12. Review status: no assertion criteria provided. Collection method: clinical testing. Allele origin: germline.
Comment: This variant is classified as benign based on ACMG/AMP sequence variant interpretation guidelines (Richards et al. 2015 PMID: 25741868, with internal and published modifications).

NM_030782.5(CLPTM1L):c.688C>T (p.Arg230Cys)

Gene: CLPTM1L (CLPTM1 like). Cytogenetic location: 5p15.33.
Variant type: single nucleotide variant.
Coding change: c.688C>T on transcript NM_030782.5 (MANE Select); coding-DNA position 688, C replaced by T.
Protein change: p.Arg230Cys; replaces arginine 230 with cysteine.
Molecular consequence: missense variant.
Genome position (GRCh38, 1-based): chr5:1,335,165, G>A on the plus strand (C>T on the coding strand, the complement: CLPTM1L is on the minus strand). VCF-style: chr5-1335165-G-A. GRCh37 (hg19) VCF-style: chr5-1335280-G-A.
Other names: short protein forms R230C.
Identifiers: ClinVar variation 3033206 (VCV003033206.2), dbSNP rs150993328, ClinGen allele CA3185527.